The following is an entry in ClinVar:

ClinVar aggregate classification (germline): Uncertain significance (1 of 4 stars; one submission).

Conditions:
Global developmental delay with speech and behavioral abnormalities. Identifiers: MedGen C5543226, MONDO:0030995, OMIM 619243.

Submission:

Laboratorio de Genetica e Diagnostico Molecular, Hospital Israelita Albert Einstein
Classification: Uncertain significance for Global developmental delay with speech and behavioral abnormalities. Last evaluated: 2024-05-20. Review status: criteria provided, single submitter. Criteria: ACMG Guidelines, 2015. Collection method: clinical testing. Allele origin: germline. Affected: yes.
Comment: ACMG classification criteria: PM2 supporting, BP4 supporting

NM_001162501.2(TNRC6B):c.902A>T (p.Asn301Ile)

Gene: TNRC6B (trinucleotide repeat containing adaptor 6B; plus strand). Cytogenetic location: 22q13.1.
Variant type: single nucleotide variant.
Coding change: c.902A>T on transcript NM_001162501.2 (MANE Select); coding-DNA position 902, A replaced by T.
Protein change: p.Asn301Ile; replaces asparagine 301 with isoleucine.
Molecular consequence: missense variant. On other transcripts: intron variant (1).
Genome position (GRCh38, 1-based): chr22:40,265,132, A>T. VCF-style: chr22-40265132-A-T. GRCh37 (hg19) VCF-style: chr22-40661136-A-T.
Other names: c.902A>T, p.Asn301Ile (NM_015088.3); c.565+2959A>T (NM_001024843.2); short protein forms N301I.
Identifiers: ClinVar variation 4076268 (VCV004076268.1).